The following is an entry in ClinVar:

ClinVar aggregate classification (germline): Uncertain significance (1 of 4 stars; one submission).

Submission:

GeneDx
Classification: Uncertain significance. Last evaluated: 2024-11-12. Review status: criteria provided, single submitter. Criteria: GeneDx Variant Classification Process June 2021. Collection method: clinical testing. Allele origin: germline. Affected: yes.
Comment: Not observed at significant frequency in large population cohorts (gnomAD); In silico analysis indicates that this missense variant does not alter protein structure/function; Has not been previously published as pathogenic or benign to our knowledge

NM_182925.5(FLT4):c.3704C>T (p.Ser1235Phe)

Gene: FLT4 (fms related receptor tyrosine kinase 4; minus strand). Cytogenetic location: 5q35.3.
Variant type: single nucleotide variant.
Coding change: c.3704C>T on transcript NM_182925.5 (MANE Select); coding-DNA position 3704, C replaced by T.
Protein change: p.Ser1235Phe; replaces serine 1235 with phenylalanine.
Molecular consequence: missense variant.
Genome position (GRCh38, 1-based): chr5:180,610,008, G>A on the plus strand (C>T on the coding strand, the complement: FLT4 is on the minus strand). VCF-style: chr5-180610008-G-A. GRCh37 (hg19) VCF-style: chr5-180037008-G-A.
Other names: c.3704C>T, p.Ser1235Phe (NM_001354989.2, NM_002020.5); short protein forms S1235F.
Identifiers: ClinVar variation 3898835 (VCV003898835.1).
Genomic context (GRCh38, chr5:180,610,008, plus strand): 5'-AATGTCTTCATCCTGGAGGAACCACGGGTCTCAGCCCCTCTGGCCAGGCACCCGGGAAAG[G>A]ACACCCAGTTGTAATACCTGTGGGGAGAAATCAGAAGGTGCTGAGGAACGCGCTGCAGCA-3'
Protein context (NP_891555.2, residues 1225-1245): SLAARYYNWV[Ser1235Phe]FPGCLARGAE